The following is an entry in ClinVar:

NM_001363711.2(DUOX2):c.943+1G>A

Gene: DUOX2 (dual oxidase 2; minus strand). Cytogenetic location: 15q21.1.
Variant type: single nucleotide variant.
Coding change: c.943+1G>A on transcript NM_001363711.2 (MANE Select); the canonical splice donor site of the intron after coding-DNA position 943, G replaced by A.
Molecular consequence: splice donor variant.
Genome position (GRCh38, 1-based): chr15:45,110,649, C>T on the plus strand (G>A on the coding strand, the complement: DUOX2 is on the minus strand). VCF-style: chr15-45110649-C-T. GRCh37 (hg19) VCF-style: chr15-45402847-C-T.
Other names: c.943+1G>A (NM_014080.5).
Identifiers: ClinVar variation 3708518 (VCV003708518.2).

ClinVar aggregate classification (germline): Likely pathogenic (1 of 4 stars; one submission).

Submission:

Labcorp Genetics (formerly Invitae), Labcorp
Classification: Likely pathogenic. Last evaluated: 2024-09-10. Review status: criteria provided, single submitter. Criteria: Invitae Variant Classification Sherloc (09022015). Collection method: clinical testing. Allele origin: germline.
Comment: This sequence change affects a donor splice site in intron 8 of the DUOX2 gene. It is expected to disrupt RNA splicing. Variants that disrupt the donor or acceptor splice site typically lead to a loss of protein function (PMID: 16199547), and loss-of-function variants in DUOX2 are known to be pathogenic (PMID: 12110737, 18765513, 21565790, 24423310, 24735383). This variant is not present in population databases (gnomAD no frequency). This variant has not been reported in the literature in individuals affected with DUOX2-related conditions. Algorithms developed to predict the effect of sequence changes on RNA splicing suggest that this variant may disrupt the consensus splice site. In summary, the currently available evidence indicates that the variant is pathogenic, but additional data are needed to prove that conclusively. Therefore, this variant has been classified as Likely Pathogenic.

Literature cited by the submitters: PubMed 16199547; PubMed 12110737; PubMed 18765513; PubMed 21565790; PubMed 24423310; PubMed 24735383.